The following is an entry in ClinVar:

ClinVar aggregate classification (germline): Conflicting classifications of pathogenicity. Review status: criteria provided, conflicting classifications (1 of 4 stars). 2 submissions from 2 submitters: Uncertain significance (1); Likely benign (1). Last evaluated 2026-06-01.

Conditions:
Inborn genetic diseases. Identifiers: MedGen C0950123, MeSH D030342.

gnomAD v4.1: 12 of 1,609,134 alleles (0.00075%); highest among the groups gnomAD compares: Admixed American, 0.0017%; no homozygotes.

Submissions (2):

CeGaT Center for Human Genetics Tuebingen
Classification: Likely benign. Last evaluated: 2026-06-01. Review status: criteria provided, single submitter. Criteria: CeGaT Center For Human Genetics Tuebingen Variant Classification Criteria Version 2. Collection method: clinical testing. Allele origin: germline. Affected: yes. Observed: 1 variant allele.
Comment: MYT1L: PP2, BS2

Ambry Genetics
Classification: Uncertain significance for Inborn genetic diseases. Last evaluated: 2025-04-15. Review status: criteria provided, single submitter. Criteria: Ambry Variant Classification Scheme 2023. Collection method: clinical testing. Allele origin: germline.

NM_001303052.2(MYT1L):c.3467C>T (p.Thr1156Met)

Gene: MYT1L (myelin transcription factor 1 like; minus strand). Cytogenetic location: 2p25.3.
Variant type: single nucleotide variant.
Coding change: c.3467C>T on transcript NM_001303052.2 (MANE Select); coding-DNA position 3467, C replaced by T.
Protein change: p.Thr1156Met; replaces threonine 1156 with methionine.
Molecular consequence: missense variant. On other transcripts: 3 prime UTR variant (2), intron variant (2).
Genome position (GRCh38, 1-based): chr2:1,791,961, G>A on the plus strand (C>T on the coding strand, the complement: MYT1L is on the minus strand). VCF-style: chr2-1791961-G-A. GRCh37 (hg19) VCF-style: chr2-1795733-G-A.
Other names: c.3467C>T, p.Thr1156Met (NM_001329844.2, NM_001329845.1); c.3461C>T, p.Thr1154Met (NM_001329847.2, NM_001329848.1, NM_015025.4); c.*348C>T (NM_001329851.3, NM_001329852.3); c.3420+360C>T (NM_001329849.3); c.3414+360C>T (NM_001329846.3); short protein forms T1156M, T1154M.
Identifiers: ClinVar variation 3916769 (VCV003916769.3).
Genomic context (GRCh38, chr2:1,791,961, plus strand): 5'-TTTTCCAGTAGGGCTTTATTTTCTGGACTCTGATAACGATCTTGATTTGTATACATTTCC[G>A]TCAAAGTAGTCACGTAAGCATCAAAATTTTGTTCATTGATTGGATCCTACGAGATATTAA-3'
Protein context (NP_001289981.1, residues 1146-1166): QNFDAYVTTL[Thr1156Met]EMYTNQDRYQ